The following is an entry in ClinVar:

NM_001371596.2(MFSD8):c.428G>A (p.Gly143Glu)

Gene: MFSD8 (major facilitator superfamily domain containing 8; minus strand). Cytogenetic location: 4q28.2.
Variant type: single nucleotide variant.
Coding change: c.428G>A on transcript NM_001371596.2 (MANE Select); coding-DNA position 428, G replaced by A.
Protein change: p.Gly143Glu; replaces glycine 143 with glutamic acid.
Molecular consequence: missense variant.
Genome position (GRCh38, 1-based): chr4:127,943,763, C>T on the plus strand (G>A on the coding strand, the complement: MFSD8 is on the minus strand). VCF-style: chr4-127943763-C-T. GRCh37 (hg19) VCF-style: chr4-128864918-C-T.
Other names: c.428G>A, p.Gly143Glu (NM_001363520.3, NM_001363521.3, NM_001371591.2 and 5 more transcripts); c.293G>A, p.Gly98Glu (NM_001371590.2, NM_001371595.1, NM_001410765.1); short protein forms G98E, G143E.
Identifiers: ClinVar variation 2145772 (VCV002145772.1), dbSNP rs762496121, ClinGen allele CA3077481.
Genomic context (GRCh38, chr4:127,943,763, plus strand): 5'-CAGAATGAATGTGAATATGACACAACCAAACATATACATACAACCTTACCTGCTCCAATT[C>T]CCAACAATCCACGAGCAACCAGCATGTAGTATTTATTATGAGAAGCTGGGATGTGGAGAT-3'
Protein context (NP_001358525.1, residues 133-153): YYMLVARGLL[Gly143Glu]IGAGNVAVVR

ClinVar aggregate classification (germline): Uncertain significance (1 of 4 stars; one submission).

Conditions:
Neuronal ceroid lipofuscinosis 7 (CLN7). Also called: MFSD8-Related Neuronal Ceroid-Lipofuscinosis. Identifiers: Orphanet 168491, Orphanet 228366, MedGen C1838571, MONDO:0012588, OMIM 610951.

Allele frequency attached by ClinVar (database versions not stated): TOPMed below 0.00001; gnomAD 0.00001.
gnomAD v4.1: 8 of 1,613,940 alleles (0.0005%); highest among the groups gnomAD compares: Non-Finnish European, 0.00068%; no homozygotes.

Submission:

Labcorp Genetics (formerly Invitae), Labcorp
Classification: Uncertain significance for Neuronal ceroid lipofuscinosis 7. Last evaluated: 2022-07-21. Review status: criteria provided, single submitter. Criteria: Invitae Variant Classification Sherloc (09022015). Collection method: clinical testing. Allele origin: germline.
Comment: This sequence change replaces glycine, which is neutral and non-polar, with glutamic acid, which is acidic and polar, at codon 143 of the MFSD8 protein (p.Gly143Glu). This variant is present in population databases (rs762496121, gnomAD 0.0009%). This variant has not been reported in the literature in individuals affected with MFSD8-related conditions. Algorithms developed to predict the effect of missense changes on protein structure and function are either unavailable or do not agree on the potential impact of this missense change (SIFT: "Deleterious"; PolyPhen-2: "Probably Damaging"; Align-GVGD: "Class C0"). In summary, the available evidence is currently insufficient to determine the role of this variant in disease. Therefore, it has been classified as a Variant of Uncertain Significance.